The following is an entry in ClinVar:

ClinVar aggregate classification (germline): Uncertain significance (1 of 4 stars; one submission).

gnomAD v4.1: 23 of 1,613,308 alleles (0.0014%); highest among the groups gnomAD compares: Non-Finnish European, 0.0018%; 1 homozygote.

Submission:

Labcorp Genetics (formerly Invitae), Labcorp
Classification: Uncertain significance. Last evaluated: 2024-10-03. Review status: criteria provided, single submitter. Criteria: Invitae Variant Classification Sherloc (09022015). Collection method: clinical testing. Allele origin: germline.
Comment: This sequence change affects codon 381 of the ACTN4 mRNA. It is a 'silent' change, meaning that it does not change the encoded amino acid sequence of the ACTN4 protein. This variant also falls at the last nucleotide of exon 10, which is part of the consensus splice site for this exon. This variant is present in population databases (rs149121081, gnomAD 0.003%). This variant has not been reported in the literature in individuals affected with ACTN4-related conditions. Variants that disrupt the consensus splice site are a relatively common cause of aberrant splicing (PMID: 17576681, 9536098). Algorithms developed to predict the effect of sequence changes on RNA splicing suggest that this variant may disrupt the consensus splice site. In summary, the available evidence is currently insufficient to determine the role of this variant in disease. Therefore, it has been classified as a Variant of Uncertain Significance.

Literature cited by the submitters: PubMed 17576681; PubMed 9536098.

NM_004924.6(ACTN4):c.1143G>A (p.Ser381=)

Gene: ACTN4 (actinin alpha 4; plus strand). Cytogenetic location: 19q13.2.
Variant type: single nucleotide variant.
Coding change: c.1143G>A on transcript NM_004924.6 (MANE Select); coding-DNA position 1143, G replaced by A.
Protein change: p.Ser381=; no amino-acid change (serine 381 retained).
Molecular consequence: synonymous variant.
Genome position (GRCh38, 1-based): chr19:38,717,316, G>A. VCF-style: chr19-38717316-G-A. GRCh37 (hg19) VCF-style: chr19-39207956-G-A.
Other names: c.1143G>A, p.Ser381= (NM_001322033.2, NM_001411143.1).
Identifiers: ClinVar variation 3719569 (VCV003719569.2).